The following is an entry in ClinVar:

ClinVar aggregate classification (germline): Likely benign. Review status: criteria provided, multiple submitters, no conflicts (2 of 4 stars). 3 submissions from 3 submitters: Likely benign (3). Last evaluated 2026-01-06.

Conditions:
Encephalopathy, acute, infection-induced (herpes-specific), susceptibility to, 1. Also called: Herpes simplex encephalitis, susceptibility to, 1. Identifiers: Orphanet 1930, MedGen C2750180, MONDO:0024563, OMIM 610551.

Allele frequency attached by ClinVar (database versions not stated): gnomAD 0.00063 and 0.00062; 1000 Genomes Project 30x 0.00016; ESP Exome Variant Server 0.00126; TOPMed 0.00065; ExAC 0.00067; 1000 Genomes Project 0.00020; gnomAD exomes 0.00046.
gnomAD v4.1: 1,615 of 1,611,390 alleles (0.1%); highest among the groups gnomAD compares: Non-Finnish European, 0.13%; 3 homozygotes.

Submissions (3):

Labcorp Genetics (formerly Invitae), Labcorp
Classification: Likely benign for Encephalopathy, acute, infection-induced (herpes-specific), susceptibility to, 1. Last evaluated: 2026-01-06. Review status: criteria provided, single submitter. Criteria: Invitae Variant Classification Sherloc (09022015). Collection method: clinical testing. Allele origin: germline.

Blueprint Genetics
Classification: Likely benign. Last evaluated: 2024-11-07. Review status: criteria provided, single submitter. Criteria: ACMG Guidelines, 2015. Collection method: clinical testing. Allele origin: germline.

CeGaT Center for Human Genetics Tuebingen
Classification: Likely benign. Last evaluated: 2023-10-01. Review status: criteria provided, single submitter. Criteria: CeGaT Center For Human Genetics Tuebingen Variant Classification Criteria Version 2. Collection method: clinical testing. Allele origin: germline. Affected: yes. Observed: 1 variant allele.
Comment: UNC93B1: BP4, BP7

NM_030930.4(UNC93B1):c.444C>T (p.Leu148=)

Gene: UNC93B1 (unc-93B1 regulator of TLR signaling; minus strand). Cytogenetic location: 11q13.2.
Variant type: single nucleotide variant.
Coding change: c.444C>T on transcript NM_030930.4 (MANE Select); coding-DNA position 444, C replaced by T.
Protein change: p.Leu148=; no amino-acid change (leucine 148 retained).
Molecular consequence: synonymous variant.
Genome position (GRCh38, 1-based): chr11:67,999,629, G>A on the plus strand (C>T on the coding strand, the complement: UNC93B1 is on the minus strand). VCF-style: chr11-67999629-G-A. GRCh37 (hg19) VCF-style: chr11-67767099-G-A.
Identifiers: ClinVar variation 715291 (VCV000715291.36), dbSNP rs368427313, ClinGen allele CA6145654.